The following is an entry in ClinVar:

ClinVar aggregate classification (germline): Benign (0 of 4 stars; one submission).

Conditions:
ABCG1-related disorder. Also called: ABCG1-related condition.

Submission:

PreventionGenetics, part of Exact Sciences
Classification: Benign for ABCG1-related condition. Last evaluated: 2019-02-19. Review status: no assertion criteria provided. Collection method: clinical testing. Allele origin: germline.
Comment: This variant is classified as benign based on ACMG/AMP sequence variant interpretation guidelines (Richards et al. 2015 PMID: 25741868, with internal and published modifications).

NM_016818.3(ABCG1):c.-38GCC[9]

Gene: ABCG1 (ATP binding cassette subfamily G member 1; plus strand). Cytogenetic location: 21q22.3.
Variant type: Microsatellite.
Coding change: c.-38GCC[9] on transcript NM_016818.3 (MANE Select); nine copies in a row of the 3-base unit GCC starting at c.-38; the reference has ten copies in a row; one copy, 3 bases deleted.
Molecular consequence: 5 prime UTR variant. On other transcripts: intron variant (3).
Genome position (GRCh38, 1-based): chr21:42,219,252-42,219,254, GCC deleted; deleting any 3 consecutive bases within chr21:42,219,223-42,219,254 gives the same sequence; the position shown is the placement nearest the transcript's 3' end. VCF-style (leftmost placement, unchanged base first): chr21-42219222-CCCG-C. GRCh37 (hg19) VCF-style: chr21-43639332-CCCG-C.
Other names: c.-38GCC[9] (NM_004915.4); c.49-6448CCG[9] (NM_207627.2); c.-24-6448CCG[9] (NM_207628.1); c.33+3035CCG[9] (NM_207629.2).
Identifiers: ClinVar variation 3059271 (VCV003059271.2), dbSNP rs2234716, ClinGen allele CA10040786.